The following is an entry in ClinVar:

NM_198428.3(BBS9):c.2657C>T (p.Ser886Leu)

Gene: BBS9 (Bardet-Biedl syndrome 9; plus strand). Cytogenetic location: 7p14.3.
Variant type: single nucleotide variant.
Coding change: c.2657C>T on transcript NM_198428.3 (MANE Select); coding-DNA position 2657, C replaced by T.
Protein change: p.Ser886Leu; replaces serine 886 with leucine.
Molecular consequence: missense variant. On other transcripts: non-coding transcript variant (3), intron variant (2).
Genome position (GRCh38, 1-based): chr7:33,605,219, C>T. VCF-style: chr7-33605219-C-T. GRCh37 (hg19) VCF-style: chr7-33644831-C-T.
Other names: c.2552C>T, p.Ser851Leu (NM_001033604.2); c.2642C>T, p.Ser881Leu (NM_001033605.2); c.2657C>T, p.Ser886Leu (NM_001348036.1); c.2108C>T, p.Ser703Leu (NM_001348037.3); c.2384C>T, p.Ser795Leu (NM_001348038.3); c.2279C>T, p.Ser760Leu (NM_001348039.3); c.2534C>T, p.Ser845Leu (NM_001348040.3); c.2522C>T, p.Ser841Leu (NM_001348042.3); and 7 more; short protein forms S764L, S841L, S846L, S851L, S703L, S729L, S845L, S886L.
Identifiers: ClinVar variation 1517975 (VCV001517975.8), dbSNP rs779169794, ClinGen allele CA4214778.
Genomic context (GRCh38, chr7:33,605,219, plus strand): 5'-TTCTCTCTCTTTCTCTCTTACTCTCTTTTTTTCCAGAAGTTTCACCCCTCCAAGGAGTCT[C>T]GGAATAATTCAAGTAGAGTTGTTTGGTTGAGAGGAACATCCCCATCTCAAGGCCGAACCT-3'
Protein context (NP_940820.1, residues 876-887): RPEVSPLQGV[Ser886Leu]E

ClinVar aggregate classification (germline): Uncertain significance. Review status: criteria provided, multiple submitters, no conflicts (2 of 4 stars). 4 submissions from 4 submitters: Uncertain significance (4). Last evaluated 2025-11-26.

Conditions:
BBS9-related disorder. Also called: BBS9-related condition.
Bardet-Biedl syndrome (BBS). Identifiers: Orphanet 110, MedGen C0752166, MONDO:0015229.
Bardet-Biedl syndrome 9 (BBS9). Identifiers: Orphanet 110, MedGen C1859567, MONDO:0014437, OMIM 615986.
Inborn genetic diseases. Identifiers: MedGen C0950123, MeSH D030342.

Allele frequency attached by ClinVar (database versions not stated): TOPMed 0.00001; gnomAD exomes 0.00003 and 0.00004; ExAC 0.00004.
gnomAD v4.1: 43 of 1,612,730 alleles (0.0027%); highest among the groups gnomAD compares: South Asian, 0.02%; 1 homozygote.

Submissions (4):

PreventionGenetics, part of Exact Sciences
Classification: Uncertain significance for BBS9-related condition. Last evaluated: 2025-11-26. Review status: criteria provided, single submitter. Criteria: ACMG Guidelines, 2015. Collection method: clinical testing. Allele origin: germline.
Comment: The BBS9 c.2657C>T variant is predicted to result in the amino acid substitution p.Ser886Leu. To our knowledge, this variant has not been reported in the literature. This variant is reported in 0.0098% of alleles in individuals of South Asian descent in gnomAD. At this time, the clinical significance of this variant is uncertain due to the absence of conclusive functional and genetic evidence.

Ambry Genetics
Classification: Uncertain significance for Inborn genetic diseases. Last evaluated: 2025-07-11. Review status: criteria provided, single submitter. Criteria: Ambry Variant Classification Scheme 2023. Collection method: clinical testing. Allele origin: germline.

Labcorp Genetics (formerly Invitae), Labcorp
Classification: Uncertain significance for Bardet-Biedl syndrome. Last evaluated: 2024-12-24. Review status: criteria provided, single submitter. Criteria: Invitae Variant Classification Sherloc (09022015). Collection method: clinical testing. Allele origin: germline.
Comment: This sequence change replaces serine, which is neutral and polar, with leucine, which is neutral and non-polar, at codon 886 of the BBS9 protein (p.Ser886Leu). This variant is present in population databases (rs779169794, gnomAD 0.01%). This variant has not been reported in the literature in individuals affected with BBS9-related conditions. ClinVar contains an entry for this variant (Variation ID: 1517975). An algorithm developed to predict the effect of missense changes on protein structure and function outputs the following: PolyPhen-2: "Benign". The leucine amino acid residue is found in multiple mammalian species, which suggests that this missense change does not adversely affect protein function. Algorithms developed to predict the effect of sequence changes on RNA splicing suggest that this variant may disrupt the consensus splice site. In summary, the available evidence is currently insufficient to determine the role of this variant in disease. Therefore, it has been classified as a Variant of Uncertain Significance.

Fulgent Genetics
Classification: Uncertain significance for Bardet-Biedl syndrome 9. Last evaluated: 2024-01-20. Review status: criteria provided, single submitter. Criteria: ACMG Guidelines, 2015. Collection method: clinical testing. Allele origin: germline.